The following is an entry in ClinVar:

ClinVar aggregate classification (germline): Uncertain significance (1 of 4 stars; one submission).

Submission:

GeneDx
Classification: Uncertain significance. Last evaluated: 2016-02-25. Review status: criteria provided, single submitter. Criteria: GeneDx Variant Classification (06012015). Collection method: clinical testing. Allele origin: germline. Affected: yes.
Comment: The P269R variant has not been published as a pathogenic variant, nor has it been reported as a benign variant to our knowledge. The variant was not observed in approximately 6,500 individuals of European and African American ancestry in the NHLBI Exome Sequencing Project, indicating it is not a common benign variant in these populations. P269R is a non-conservative amino acid substitution, which is likely to impact secondary protein structure as these residues differ in polarity, charge, size and/or other properties. This substitution occurs at a position that is not conserved, and in silico analysis is inconsistent in its predictions as to whether or not the variant is damaging to the protein structure/function. Therefore, based on the currently available information, it is unclear whether this variant is a pathogenic variant or a rare benign variant.

NM_001065.4(TNFRSF1A):c.806C>G (p.Pro269Arg)

Gene: TNFRSF1A (TNF receptor superfamily member 1A; minus strand). Cytogenetic location: 12p13.31.
Variant type: single nucleotide variant.
Coding change: c.806C>G on transcript NM_001065.4 (MANE Select); coding-DNA position 806, C replaced by G.
Protein change: p.Pro269Arg; replaces proline 269 with arginine.
Molecular consequence: missense variant. On other transcripts: non-coding transcript variant (1).
Genome position (GRCh38, 1-based): chr12:6,330,029, G>C on the plus strand (C>G on the coding strand, the complement: TNFRSF1A is on the minus strand). VCF-style: chr12-6330029-G-C. GRCh37 (hg19) VCF-style: chr12-6439195-G-C.
Other names: c.482C>G, p.Pro161Arg (NM_001346091.2); c.347C>G, p.Pro116Arg (NM_001346092.2); short protein forms P269R, P116R, P161R.
Identifiers: ClinVar variation 234819 (VCV000234819.2), dbSNP rs876661237, ClinGen allele CA10577453.